The following is an entry in ClinVar:

ClinVar aggregate classification (germline): Uncertain significance (1 of 4 stars; one submission).

Conditions:
Familial cancer of breast. Also called: hereditary breast carcinoma; BREAST CANCER, FAMILIAL; Hereditary breast cancer. Identifiers: Orphanet 227535, MedGen C0346153, MONDO:0016419, OMIM 114480. Disease mechanism: loss of function.

Submission:

Labcorp Genetics (formerly Invitae), Labcorp
Classification: Uncertain significance for Familial cancer of breast. Last evaluated: 2022-07-01. Review status: criteria provided, single submitter. Criteria: Invitae Variant Classification Sherloc (09022015). Collection method: clinical testing. Allele origin: germline.
Comment: In summary, the available evidence is currently insufficient to determine the role of this variant in disease. Therefore, it has been classified as a Variant of Uncertain Significance. Algorithms developed to predict the effect of missense changes on protein structure and function (SIFT, PolyPhen-2, Align-GVGD) all suggest that this variant is likely to be tolerated. This variant has not been reported in the literature in individuals affected with CHEK2-related conditions. This variant is not present in population databases (gnomAD no frequency). This sequence change replaces aspartic acid, which is acidic and polar, with alanine, which is neutral and non-polar, at codon 6 of the CHEK2 protein (p.Asp6Ala).

NM_007194.4(CHEK2):c.17A>C (p.Asp6Ala)

Gene: CHEK2 (checkpoint kinase 2; minus strand). Cytogenetic location: 22q12.1.
Variant type: single nucleotide variant.
Coding change: c.17A>C on transcript NM_007194.4 (MANE Select); coding-DNA position 17, A replaced by C.
Protein change: p.Asp6Ala; replaces aspartic acid 6 with alanine.
Molecular consequence: missense variant.
Genome position (GRCh38, 1-based): chr22:28,734,705, T>G on the plus strand (A>C on the coding strand, the complement: CHEK2 is on the minus strand). VCF-style: chr22-28734705-T-G. GRCh37 (hg19) VCF-style: chr22-29130693-T-G.
Other names: c.17A>C, p.Asp6Ala (NM_001005735.3, NM_001349956.3, NM_145862.3); c.-761A>C (NM_001257387.3); short protein forms D6A.
Identifiers: ClinVar variation 2012794 (VCV002012794.4), dbSNP rs2146156721, ClinGen allele CA411092085.
Genomic context (GRCh38, chr22:28,734,705, plus strand): 5'-GTAACGCTGCCATGGGGCTGTGAACAGGCACTGCTGCCATGAGACTGCTGAGCCTCAACA[T>G]CCGACTCCCGAGACATCACGACCTCAAAAAGAAAGTGTCCAACAACAAAGGTGAGTTTCA-3'
Protein context (NP_009125.1, residues 1-16): MSRES[Asp6Ala]VEAQQSHGSS